The following is an entry in ClinVar:

ClinVar aggregate classification (germline): Likely benign (1 of 4 stars; one submission).

Submission:

GeneDx
Classification: Likely benign. Last evaluated: 2018-04-06. Review status: criteria provided, single submitter. Criteria: GeneDx Variant Classification (06012015). Collection method: clinical testing. Allele origin: germline. Affected: yes.
Comment: This variant is considered likely benign or benign based on one or more of the following criteria: it is a conservative change, it occurs at a poorly conserved position in the protein, it is predicted to be benign by multiple in silico algorithms, and/or has population frequency not consistent with disease.

NM_004086.3(COCH):c.801C>T (p.Pro267=)

Genes: COCH (cochlin; plus strand), LOC100506071 (uncharacterized LOC100506071; minus strand). Cytogenetic location: 14q12.
Variant type: single nucleotide variant.
Coding change: c.801C>T on transcript NM_004086.3 (MANE Select); coding-DNA position 801, C replaced by T.
Protein change: p.Pro267=; no amino-acid change (proline 267 retained).
Molecular consequence: synonymous variant. On other transcripts: non-coding transcript variant (1).
Genome position (GRCh38, 1-based): chr14:30,885,461, C>T. VCF-style: chr14-30885461-C-T. GRCh37 (hg19) VCF-style: chr14-31354667-C-T.
Other names: c.801C>T, p.Pro267= (NM_001135058.2); c.996C>T, p.Pro332= (NM_001347720.2).
Identifiers: ClinVar variation 680443 (VCV000680443.1), dbSNP rs1594384110, ClinGen allele CA485832252.
Genomic context (GRCh38, chr14:30,885,461, plus strand): 5'-CTTGAAGCATACTGCTCAGAAATTCTTCACGGTAGATGCTGGAGTAAGAAAAGGGATCCC[C>T]AAAGTGGTGGTGGTATTTATTGATGGTTGGCCTTCTGATGACATCGAGGAAGCAGGCATT-3'
Protein context (NP_004077.1, residues 257-277): TVDAGVRKGI[Pro267=]KVVVVFIDGW